The following is an entry in ClinVar:

NM_006206.6(PDGFRA):c.2680A>T (p.Thr894Ser)

Gene: PDGFRA (platelet derived growth factor receptor alpha; plus strand). Cytogenetic location: 4q12.
Variant type: single nucleotide variant.
Coding change: c.2680A>T on transcript NM_006206.6 (MANE Select); coding-DNA position 2680, A replaced by T.
Protein change: p.Thr894Ser; replaces threonine 894 with serine.
Molecular consequence: missense variant.
Genome position (GRCh38, 1-based): chr4:54,288,804, A>T. VCF-style: chr4-54288804-A-T. GRCh37 (hg19) VCF-style: chr4-55154971-A-T.
Other names: c.2755A>T, p.Thr919Ser (NM_001347828.2); c.2680A>T, p.Thr894Ser (NM_001347829.2); c.2719A>T, p.Thr907Ser (NM_001347830.2); short protein forms T907S, T894S, T919S.
Identifiers: ClinVar variation 3416395 (VCV003416395.1).

ClinVar aggregate classification (germline): Uncertain significance (1 of 4 stars; one submission).

Conditions:
Hereditary cancer-predisposing syndrome. Also called: Neoplastic Syndromes, Hereditary; Tumor predisposition; Hereditary Cancer Syndrome; Hereditary neoplastic syndrome. Identifiers: Orphanet 140162, MedGen C0027672, MeSH D009386, MONDO:0015356.

gnomAD v4.1: 1 of 1,605,844 alleles (0.000062%); highest among the groups gnomAD compares: Non-Finnish European, 0.000085%; no homozygotes.

Submission:

Ambry Genetics
Classification: Uncertain significance for Hereditary cancer-predisposing syndrome. Last evaluated: 2024-07-28. Review status: criteria provided, single submitter. Criteria: Ambry Variant Classification Scheme 2023. Collection method: clinical testing. Allele origin: germline.
Comment: The p.T894S variant (also known as c.2680A>T), located in coding exon 19 of the PDGFRA gene, results from an A to T substitution at nucleotide position 2680. The threonine at codon 894 is replaced by serine, an amino acid with similar properties. This amino acid position is conserved. In addition, the in silico prediction for this alteration is inconclusive. Based on the available evidence, the clinical significance of this variant remains unclear.